The following is an entry in ClinVar:

ClinVar aggregate classification (germline): Conflicting classifications of pathogenicity. Review status: criteria provided, conflicting classifications (1 of 4 stars). 6 submissions from 6 submitters: Uncertain significance (5); Likely benign (1). Last evaluated 2025-04-07.

Allele frequency attached by ClinVar (database versions not stated): ExAC 0.00002; gnomAD exomes 0.00003; TOPMed 0.00006; gnomAD 0.00008 and 0.00009; 1000 Genomes Project 30x 0.00016; 1000 Genomes Project 0.00020.
gnomAD v4.1: 128 of 1,613,126 alleles (0.0079%); highest among the groups gnomAD compares: East Asian, 0.04%; no homozygotes.

Submissions (6):

ARUP Laboratories, Molecular Genetics and Genomics, ARUP Laboratories
Classification: Uncertain significance. Last evaluated: 2025-04-07. Review status: criteria provided, single submitter. Criteria: ARUP Molecular Germline Variant Investigation Process 2024. Collection method: clinical testing. Allele origin: germline.
Comment: The TTN c.13799A>C; p.Glu4600Ala variant is rare in the general population (<0.2% allele frequency in the Genome Aggregation Database) and has not been reported in the medical literature in association with dilated cardiomyopathy (DCM) or other TTN-related disease. The clinical relevance of rare missense variants in this gene, which are identified on average once per individual sequenced in affected populations (Herman 2012), is not well understood. While the clinical significance of such variants is considered uncertain, evidence suggests that the vast majority of missense variants do not contribute to the clinical outcome of DCM (Begay2015). Given the available evidence, the clinical significance of the p. Glu4600Ala variant cannot be determined with certainty. REFERENCES Begay RL et al. Role of Titin Missense Variants in Dilated Cardiomyopathy. J Am Heart Assoc. 2015 Nov 13;4(11). PMID: 26567375. Herman DS et al. Truncations of titin causing dilated cardiomyopathy. N Engl J Med. 2012 Feb 16;366(7):619-28. PMID: 22335739.

CeGaT Center for Human Genetics Tuebingen
Classification: Uncertain significance. Last evaluated: 2022-03-01. Review status: criteria provided, single submitter. Criteria: CeGaT Center For Human Genetics Tuebingen Variant Classification Criteria Version 2. Collection method: clinical testing. Allele origin: germline. Affected: yes. Observed: 1 variant allele.
Comment: TTN: PM2, BP4

GeneDx
Classification: Likely benign. Last evaluated: 2018-03-12. Review status: criteria provided, single submitter. Criteria: GeneDx Variant Classification (06012015). Collection method: clinical testing. Allele origin: germline. Affected: yes.
Comment: This variant is considered likely benign or benign based on one or more of the following criteria: it is a conservative change, it occurs at a poorly conserved position in the protein, it is predicted to be benign by multiple in silico algorithms, and/or has population frequency not consistent with disease.

Eurofins Ntd Llc (ga)
Classification: Uncertain significance. Last evaluated: 2016-11-06. Review status: criteria provided, single submitter. Criteria: EGL Classification Definitions 2015. Collection method: clinical testing. Allele origin: germline. Observed: 1 variant allele, 1 heterozygote.

Laboratory for Molecular Medicine, Mass General Brigham Personalized Medicine
Classification: Uncertain significance. Last evaluated: 2015-06-16. Review status: criteria provided, single submitter. Criteria: LMM Criteria. Collection method: clinical testing. Allele origin: germline. Observed: 1 variant allele.
Comment: The p.Glu4600Ala variant in TTN has not been previously reported in individuals with cardiomyopathy, but has been identified in 1/8594 East Asian chromosomes by the Exome Aggregation Consortium (ExAC; dbSNP r s200760091). Computational prediction tools and conservation analysis are limite d or unavailable for this variant. In summary, the clinical significance of the p.Glu4600Ala variant is uncertain.

Biesecker Lab/Clinical Genomics Section, National Institutes of Health
Classification: Uncertain significance. Last evaluated: 2013-06-24. Review status: criteria provided, single submitter. Criteria: Ng et al. (Circ Cardiovasc Genet. 2013). Collection method: research. Allele origin: unknown. Observed: 1 variant allele. Study: ClinSeq.
Comment: The study set was not selected for affection status in relation to any cancer. Pathogenicity categories were based on literature curation. See Pubmed ID:23861362 for details.

Medical sequencing

NM_133379.5(TTN):c.13799A>C (p.Glu4600Ala)

Gene: TTN (titin; minus strand). Cytogenetic location: 2q31.2.
Variant type: single nucleotide variant.
Coding change: c.13799A>C on transcript NM_133379.5; coding-DNA position 13799, A replaced by C.
Protein change: p.Glu4600Ala; replaces glutamic acid 4600 with alanine.
Molecular consequence: missense variant. On other transcripts: intron variant (6).
Genome position (GRCh38, 1-based): chr2:178,748,601, T>G on the plus strand (A>C on the coding strand, the complement: TTN is on the minus strand). VCF-style: chr2-178748601-T-G. GRCh37 (hg19) VCF-style: chr2-179613328-T-G.
Other names: c.10360+4523A>C (NM_133378.4, NM_001256850.1); c.10222+4523A>C (NM_003319.4); c.10798+4523A>C (NM_133437.4); c.10597+4523A>C (NM_133432.3); c.11311+4523A>C (NM_001267550.2); short protein forms E4600A.
Identifiers: ClinVar variation 192053 (VCV000192053.35), dbSNP rs200760091, ClinGen allele CA238193.
Genomic context (GRCh38, chr2:178,748,601, plus strand): 5'-TGTTTTAGATCAAATACAATGTTCTCAGTGTCAGCAGGATGTTGGATTTTAAAATAAGCT[T>G]CTTCTGGTTGACCACTATCTAATTCTTGGAATTTCACATCTGTGTGTTTTATTTGAGTGT-3'